The following is an entry in ClinVar:

NM_001197104.2(KMT2A):c.209G>C (p.Ser70Thr)

Gene: KMT2A (lysine methyltransferase 2A; plus strand). Cytogenetic location: 11q23.3.
Variant type: single nucleotide variant.
Coding change: c.209G>C on transcript NM_001197104.2 (MANE Select); coding-DNA position 209, G replaced by C.
Protein change: p.Ser70Thr; replaces serine 70 with threonine.
Molecular consequence: missense variant.
Genome position (GRCh38, 1-based): chr11:118,436,721, G>C. VCF-style: chr11-118436721-G-C. GRCh37 (hg19) VCF-style: chr11-118307436-G-C.
Other names: c.209G>C, p.Ser70Thr (NM_005933.4); short protein forms S70T.
Identifiers: ClinVar variation 1309132 (VCV001309132.2), dbSNP rs1177309170, ClinGen allele CA382797586.

ClinVar aggregate classification (germline): Uncertain significance (1 of 4 stars; one submission).

gnomAD v4.1: 2 of 1,431,474 alleles (0.00014%); highest among the groups gnomAD compares: African/African-American, 0.0029%; no homozygotes.

Submission:

GeneDx
Classification: Uncertain significance. Last evaluated: 2019-10-11. Review status: criteria provided, single submitter. Criteria: GeneDx Variant Classification Process June 2021. Collection method: clinical testing. Allele origin: germline. Affected: yes.
Comment: In silico analysis, which includes protein predictors and evolutionary conservation, supports that this variant does not alter protein structure/function; Has not been previously published as pathogenic or benign to our knowledge